The following is an entry in ClinVar:

ClinVar aggregate classification (germline): Benign/Likely benign. Review status: criteria provided, multiple submitters, no conflicts (2 of 4 stars). 2 submissions from 2 submitters: Benign (1); Likely benign (1). Last evaluated 2025-07-15.

Allele frequency attached by ClinVar (database versions not stated): gnomAD 0.00018 and 0.00017; gnomAD exomes 0.00006; TOPMed 0.00003; 1000 Genomes Project 30x 0.00062; ExAC 0.00011; 1000 Genomes Project 0.00053.

Submissions (2):

Mayo Clinic Laboratories, Mayo Clinic
Classification: Likely benign. Last evaluated: 2025-07-15. Review status: criteria provided, single submitter. Criteria: ACMG Guidelines, 2015. Collection method: clinical testing. Allele origin: germline. Observed: 1 variant allele.
Comment: BS2, BP4, BP7

Labcorp Genetics (formerly Invitae), Labcorp
Classification: Benign. Last evaluated: 2018-07-20. Review status: criteria provided, single submitter. Criteria: Invitae Variant Classification Sherloc (09022015). Collection method: clinical testing. Allele origin: germline.

NM_003179.3(SYP):c.705G>C (p.Ala235=)

Gene: SYP (synaptophysin; minus strand). Cytogenetic location: Xp11.23.
Variant type: single nucleotide variant.
Coding change: c.705G>C on transcript NM_003179.3 (MANE Select); coding-DNA position 705, G replaced by C.
Protein change: p.Ala235=; no amino-acid change (alanine 235 retained).
Molecular consequence: synonymous variant.
Genome position (GRCh38, 1-based): chrX:49,191,674, C>G on the plus strand (G>C on the coding strand, the complement: SYP is on the minus strand). VCF-style: chrX-49191674-C-G. GRCh37 (hg19) VCF-style: chrX-49048131-C-G.
Other names: p.Ala235=.
Identifiers: ClinVar variation 752111 (VCV000752111.4), dbSNP rs782650560, ClinGen allele CA10409730.
Genomic context (GRCh38, chrX:49,191,674, plus strand): 5'-GTAGCCTGCATCGCCGTAGGCGTCCCCGGGTGCCGGTTGTTTCTCGGGGGCGCCGGGAGG[C>G]GCGCGCAGGAACGGGGCGGCCCAGCCTGTCTCCTTAAACACGAACCACAGGTTGCCGACC-3'
Protein context (NP_003170.1, residues 225-245): ETGWAAPFLR[Ala235=]PPGAPEKQPA